The following is an entry in ClinVar:

NM_001854.4(COL11A1):c.*17A>G

Gene: COL11A1 (collagen type XI alpha 1 chain; minus strand). Cytogenetic location: 1p21.1.
Variant type: single nucleotide variant.
Coding change: c.*17A>G on transcript NM_001854.4 (MANE Select); 17 bases downstream of the stop codon, A replaced by G.
Molecular consequence: 3 prime UTR variant. On other transcripts: non-coding transcript variant (1).
Genome position (GRCh38, 1-based): chr1:102,878,002, T>C on the plus strand (A>G on the coding strand, the complement: COL11A1 is on the minus strand). VCF-style: chr1-102878002-T-C. GRCh37 (hg19) VCF-style: chr1-103343558-T-C.
Other names: c.*17A>G (NM_001190709.2, NM_080629.3, NM_080630.4).
Identifiers: ClinVar variation 291491 (VCV000291491.8), dbSNP rs190728953, ClinGen allele CA973235.

ClinVar aggregate classification (germline): Conflicting classifications of pathogenicity. Review status: criteria provided, conflicting classifications (1 of 4 stars). 5 submissions from 4 submitters: Uncertain significance (1); Benign (1); Likely benign (3). Last evaluated 2024-10-28.

Conditions:
Stickler syndrome type 2 (STL2). Also called: COL11A1-Related Stickler Syndrome; STICKLER SYNDROME, TYPE II; STICKLER SYNDROME, BEADED VITREOUS TYPE; STICKLER SYNDROME, VITREOUS TYPE 2. Identifiers: Orphanet 828, Orphanet 90654, MedGen C1858084, MONDO:0011493, OMIM 604841.
Fibrochondrogenesis 1 (FBCG1). Identifiers: Orphanet 2021, MedGen C3278138, MONDO:0009226, OMIM 228520.

Allele frequency attached by ClinVar (database versions not stated): 1000 Genomes Project 30x 0.00031; 1000 Genomes Project 0.00040; gnomAD exomes 0.00123 and 0.00174; TOPMed 0.00126; ExAC 0.00129; gnomAD 0.00145 and 0.00152; ESP Exome Variant Server 0.00161.
gnomAD v4.1: 2,725 of 1,613,018 alleles (0.17%); highest among the groups gnomAD compares: Non-Finnish European, 0.2%; 4 homozygotes.

Submissions (5):

Blueprint Genetics
Classification: Likely benign. Last evaluated: 2024-10-28. Review status: criteria provided, single submitter. Criteria: ACMG Guidelines, 2015. Collection method: clinical testing. Allele origin: germline.

Women's Health and Genetics/Laboratory Corporation of America, LabCorp
Classification: Benign. Last evaluated: 2023-09-19. Review status: criteria provided, single submitter. Criteria: LabCorp Variant Classification Summary - May 2015. Collection method: clinical testing. Allele origin: germline.
Comment: Variant summary: COL11A1 c.*17A>G is located in the untranslated mRNA region downstream of the termination codon. The variant allele was found at a frequency of 0.0012 in 282452 control chromosomes, predominantly at a frequency of 0.0025 within the Finnish subpopulation and a frequency of 0.0021 within the Non-Finnish European subpopulation in the gnomAD database, including 2 homozygotes. This strongly suggests that the variant is a benign polymorphism found primarily in populations of European origin and that it is unlikely to be associated with a highly penetrant autosomal dominant condition. To our knowledge, no occurrence of c.*17A>G in individuals affected with Stickler Syndrome and no experimental evidence demonstrating its impact on protein function have been reported. Two submitters have cited clinical-significance assessments for this variant to ClinVar after 2014 and classified the variant as likely benign. Based on the evidence outlined above, the variant was classified as benign.

GeneDx
Classification: Likely benign. Last evaluated: 2018-02-06. Review status: criteria provided, single submitter. Criteria: GeneDx Variant Classification Process June 2021. Collection method: clinical testing. Allele origin: germline. Affected: yes.

Illumina Laboratory Services, Illumina
Classification: Likely benign for Stickler syndrome type 2. Last evaluated: 2018-01-12. Review status: criteria provided, single submitter. Criteria: ICSL Variant Classification Criteria 13 December 2019. Collection method: clinical testing. Allele origin: germline.
Comment: This variant was observed in the ICSL laboratory as part of a predisposition screen in an ostensibly healthy population. It had not been previously curated by ICSL or reported in the Human Gene Mutation Database (HGMD: prior to June 1st, 2018), and was therefore a candidate for classification through an automated scoring system. Utilizing variant allele frequency, disease prevalence and penetrance estimates, and inheritance mode, an automated score was calculated to assess if this variant is too frequent to cause the disease. Based on the score and internal cut-off values, a variant classified as likely benign is not then subjected to further curation. The score for this variant resulted in a classification of likely benign for this disease.

Illumina Laboratory Services, Illumina
Classification: Uncertain significance for Fibrochondrogenesis 1. Last evaluated: 2018-01-12. Review status: criteria provided, single submitter. Criteria: ICSL Variant Classification Criteria 13 December 2019. Collection method: clinical testing. Allele origin: germline.